The following is an entry in ClinVar:

ClinVar aggregate classification (germline): Conflicting classifications of pathogenicity. Review status: criteria provided, conflicting classifications (1 of 4 stars). 2 submissions from 2 submitters: Uncertain significance (1); Likely benign (1). Last evaluated 2023-11-15.

Allele frequency attached by ClinVar (database versions not stated): gnomAD 0.00001; gnomAD exomes 0.00001; ExAC 0.00003; TOPMed 0.00003.
gnomAD v4.1: 16 of 1,612,750 alleles (0.00099%); highest among the groups gnomAD compares: Middle Eastern, 0.016%; no homozygotes.

Submissions (2):

Women's Health and Genetics/Laboratory Corporation of America, LabCorp
Classification: Uncertain significance. Last evaluated: 2023-11-15. Review status: criteria provided, single submitter. Criteria: LabCorp Variant Classification Summary - May 2015. Collection method: clinical testing. Allele origin: germline.
Comment: Variant summary: TTN c.18284C>T (p.Ser6095Leu) results in a non-conservative amino acid change located in the I Band region of the encoded protein sequence. Two of three in-silico tools predict a damaging effect of the variant on protein function. The variant allele was found at a frequency of 2e-05 in 247248 control chromosomes (gnomAD). The available data on variant occurrences in the general population are insufficient to allow any conclusion about variant significance. To our knowledge, no occurrence of c.18284C>T in individuals affected with Dilated Cardiomyopathy and no experimental evidence demonstrating its impact on protein function have been reported. No submitters have cited clinical-significance assessments for this variant to ClinVar after 2014. Based on the evidence outlined above, the variant was classified as uncertain significance.

Blueprint Genetics
Classification: Likely benign. Last evaluated: 2018-12-05. Review status: criteria provided, single submitter. Criteria: ACMG Guidelines, 2015. Collection method: clinical testing. Allele origin: germline.

NM_001267550.2(TTN):c.22016C>T (p.Ser7339Leu)

Gene: TTN (titin; minus strand). Cytogenetic location: 2q31.2.
Variant type: single nucleotide variant.
Coding change: c.22016C>T on transcript NM_001267550.2 (MANE Select); coding-DNA position 22016, C replaced by T.
Protein change: p.Ser7339Leu; replaces serine 7339 with leucine.
Molecular consequence: missense variant. On other transcripts: intron variant (3).
Genome position (GRCh38, 1-based): chr2:178,722,883, G>A on the plus strand (C>T on the coding strand, the complement: TTN is on the minus strand). VCF-style: chr2-178722883-G-A. GRCh37 (hg19) VCF-style: chr2-179587610-G-A.
Other names: c.21065C>T, p.Ser7022Leu (NM_001256850.1); c.18284C>T, p.Ser6095Leu (NM_133378.4); c.13282+15199C>T (NM_003319.4); c.13858+15199C>T (NM_133437.4); c.13657+15199C>T (NM_133432.3); short protein forms S6095L, S7022L, S7339L.
Identifiers: ClinVar variation 2682555 (VCV002682555.2), dbSNP rs72648966, ClinGen allele CA2000906.